The following is an entry in ClinVar:

NM_002890.3(RASA1):c.344C>T (p.Ala115Val)

Gene: RASA1 (RAS p21 protein activator 1; plus strand). Cytogenetic location: 5q14.3.
Variant type: single nucleotide variant.
Coding change: c.344C>T on transcript NM_002890.3 (MANE Select); coding-DNA position 344, C replaced by T.
Protein change: p.Ala115Val; replaces alanine 115 with valine.
Molecular consequence: missense variant.
Genome position (GRCh38, 1-based): chr5:87,268,795, C>T. VCF-style: chr5-87268795-C-T. GRCh37 (hg19) VCF-style: chr5-86564612-C-T.
Other names: short protein forms A115V.
Identifiers: ClinVar variation 2453885 (VCV002453885.4), dbSNP rs576329276, ClinGen allele CA3335403.

ClinVar aggregate classification (germline): Uncertain significance. Review status: criteria provided, multiple submitters, no conflicts (2 of 4 stars). 2 submissions from 2 submitters: Uncertain significance (2). Last evaluated 2024-07-19.

Conditions:
Capillary malformation-arteriovenous malformation syndrome. Also called: Capillary malformation-arteriovenous malformation. Identifiers: Orphanet 137667, MedGen C1842180, MONDO:0012016.
Cardiovascular phenotype. Identifiers: MedGen CN230736.

Allele frequency attached by ClinVar (database versions not stated): ExAC 0.00001; gnomAD 0.00001; 1000 Genomes Project 30x 0.00016; 1000 Genomes Project 0.00020.
gnomAD v4.1: 1 of 1,614,114 alleles (0.000062%); highest among the groups gnomAD compares: African/African-American, 0.0013%; no homozygotes.

Submissions (2):

Labcorp Genetics (formerly Invitae), Labcorp
Classification: Uncertain significance for Capillary malformation-arteriovenous malformation syndrome. Last evaluated: 2024-07-19. Review status: criteria provided, single submitter. Criteria: Invitae Variant Classification Sherloc (09022015). Collection method: clinical testing. Allele origin: germline.
Comment: This sequence change replaces alanine, which is neutral and non-polar, with valine, which is neutral and non-polar, at codon 115 of the RASA1 protein (p.Ala115Val). This variant is present in population databases (rs576329276, gnomAD 0.007%). This variant has not been reported in the literature in individuals affected with RASA1-related conditions. ClinVar contains an entry for this variant (Variation ID: 2453885). An algorithm developed to predict the effect of missense changes on protein structure and function (PolyPhen-2) suggests that this variant is likely to be disruptive. In summary, the available evidence is currently insufficient to determine the role of this variant in disease. Therefore, it has been classified as a Variant of Uncertain Significance.

Ambry Genetics
Classification: Uncertain significance for Cardiovascular phenotype. Last evaluated: 2022-11-17. Review status: criteria provided, single submitter. Criteria: Ambry Variant Classification Scheme 2023. Collection method: clinical testing. Allele origin: germline.
Comment: The p.A115V variant (also known as c.344C>T), located in coding exon 1 of the RASA1 gene, results from a C to T substitution at nucleotide position 344. The alanine at codon 115 is replaced by valine, an amino acid with similar properties. This amino acid position is conserved. In addition, this alteration is predicted to be tolerated by in silico analysis. Since supporting evidence is limited at this time, the clinical significance of this alteration remains unclear.